The following is an entry in ClinVar:

ClinVar aggregate classification (germline): Uncertain significance (1 of 4 stars; one submission).

Allele frequency attached by ClinVar (database versions not stated): ExAC 0.00001; gnomAD exomes 0.00002 and 0.00003; ESP Exome Variant Server 0.00008.
gnomAD v4.1: 61 of 1,579,584 alleles (0.0039%); highest among the groups gnomAD compares: African/African-American, 0.034%; no homozygotes.

Submission:

Labcorp Genetics (formerly Invitae), Labcorp
Classification: Uncertain significance. Last evaluated: 2025-10-04. Review status: criteria provided, single submitter. Criteria: Invitae Variant Classification Sherloc (09022015). Collection method: clinical testing. Allele origin: germline.
Comment: This sequence change replaces isoleucine, which is neutral and non-polar, with leucine, which is neutral and non-polar, at codon 741 of the GUCY2C protein (p.Ile741Leu). This variant is present in population databases (rs145875994, gnomAD 0.03%). This variant has not been reported in the literature in individuals affected with GUCY2C-related conditions. ClinVar contains an entry for this variant (Variation ID: 1361123). Invitae Evidence Modeling of protein sequence and biophysical properties (such as structural, functional, and spatial information, amino acid conservation, physicochemical variation, residue mobility, and thermodynamic stability) indicates that this missense variant is not expected to disrupt GUCY2C protein function with a negative predictive value of 80%. In summary, the available evidence is currently insufficient to determine the role of this variant in disease. Therefore, it has been classified as a Variant of Uncertain Significance.

NM_004963.4(GUCY2C):c.2221A>C (p.Ile741Leu)

Gene: GUCY2C (guanylate cyclase 2C; minus strand). Cytogenetic location: 12p12.3.
Variant type: single nucleotide variant.
Coding change: c.2221A>C on transcript NM_004963.4 (MANE Select); coding-DNA position 2221, A replaced by C.
Protein change: p.Ile741Leu; replaces isoleucine 741 with leucine.
Molecular consequence: missense variant.
Genome position (GRCh38, 1-based): chr12:14,628,674, T>G on the plus strand (A>C on the coding strand, the complement: GUCY2C is on the minus strand). VCF-style: chr12-14628674-T-G. GRCh37 (hg19) VCF-style: chr12-14781608-T-G.
Other names: short protein forms I741L.
Identifiers: ClinVar variation 1361123 (VCV001361123.8), dbSNP rs145875994, ClinGen allele CA6463136.